The following is an entry in ClinVar:

NM_022089.4(ATP13A2):c.1364_1367del (p.Asn455fs)

Gene: ATP13A2 (ATPase cation transporting 13A2; minus strand). Cytogenetic location: 1p36.13.
Variant type: Deletion.
Coding change: c.1364_1367del on transcript NM_022089.4 (MANE Select); coding-DNA positions 1364 to 1367, 4 bases deleted (ATGA; older notation c.1364_1367delATGA).
Protein change: p.Asn455fs; shifts the reading frame from asparagine 455.
Molecular consequence: frameshift variant.
Genome position (GRCh38, 1-based): chr1:16,996,151-16,996,154, TCAT deleted on the plus strand (ATGA on the coding strand, the reverse complement: ATP13A2 is on the minus strand); deleting any 4 consecutive bases within chr1:16,996,151-16,996,157 gives the same sequence; the c. name uses the placement nearest the transcript's 3' end. VCF-style (leftmost placement, unchanged base first): chr1-16996150-CTCAT-C. GRCh37 (hg19) VCF-style: chr1-17322645-CTCAT-C.
Other names: c.1349_1352del, p.Asn450fs (NM_001141973.3, NM_001141974.3); short protein forms N455fs, N450fs.
Identifiers: ClinVar variation 4788482 (VCV004788482.1).

ClinVar aggregate classification (germline): Pathogenic (1 of 4 stars; one submission).

Conditions:
Kufor-Rakeb syndrome (KRS). Also called: PARKINSON DISEASE 9, AUTOSOMAL RECESSIVE, JUVENILE-ONSET. Identifiers: Orphanet 306674, Orphanet 314632, MedGen C1847640, MONDO:0011706, OMIM 606693.
Autosomal recessive spastic paraplegia type 78. Identifiers: Orphanet 513436, MedGen C5567893, MONDO:0014975, OMIM 617225.

Submission:

Labcorp Genetics (formerly Invitae), Labcorp
Classification: Pathogenic for Kufor-Rakeb syndrome; Autosomal recessive spastic paraplegia type 78. Last evaluated: 2025-02-13. Review status: criteria provided, single submitter. Criteria: Invitae Variant Classification Sherloc (09022015). Collection method: clinical testing. Allele origin: germline.
Comment: This sequence change creates a premature translational stop signal (p.Asn455Argfs*3) in the ATP13A2 gene. It is expected to result in an absent or disrupted protein product. Loss-of-function variants in ATP13A2 are known to be pathogenic (PMID: 16964263, 21696388). This variant is not present in population databases (gnomAD no frequency). This variant has not been reported in the literature in individuals affected with ATP13A2-related conditions. For these reasons, this variant has been classified as Pathogenic.

Literature cited by the submitters: PubMed 16964263; PubMed 21696388.